The following is an entry in ClinVar:

ClinVar aggregate classification (germline): Pathogenic/Likely pathogenic. Review status: criteria provided, multiple submitters, no conflicts (2 of 4 stars). 3 submissions from 3 submitters: Pathogenic (1); Likely pathogenic (2). Last evaluated 2024-10-31.

Conditions:
Fanconi anemia complementation group E (FANCE). Also called: FANCE-Related Fanconi Anemia. Identifiers: Orphanet 84, MedGen C3160739, MONDO:0010953, OMIM 600901.
FANCE-related disorders.

Allele frequency attached by ClinVar (database versions not stated): gnomAD exomes below 0.00001.

Submissions (3):

Blueprint Genetics
Classification: Likely pathogenic for FANCE-related disorders. Last evaluated: 2024-10-31. Review status: criteria provided, single submitter. Criteria: ACMG Guidelines, 2015. Collection method: clinical testing. Allele origin: germline. Affected: yes. Observed: 4 variant alleles.

Labcorp Genetics (formerly Invitae), Labcorp
Classification: Pathogenic for Fanconi anemia complementation group E. Last evaluated: 2024-01-03. Review status: criteria provided, single submitter. Criteria: Invitae Variant Classification Sherloc (09022015). Collection method: clinical testing. Allele origin: germline.
Comment: This sequence change creates a premature translational stop signal (p.Pro414Serfs*54) in the FANCE gene. It is expected to result in an absent or disrupted protein product. Loss-of-function variants in FANCE are known to be pathogenic (PMID: 11001585, 17924555). This variant is present in population databases (no rsID available, gnomAD 0.0009%). This premature translational stop signal has been observed in individual(s) with personal and/or family history of breast and/or ovarian cancer (PMID: 27913932). ClinVar contains an entry for this variant (Variation ID: 1459995). For these reasons, this variant has been classified as Pathogenic.

Baylor Genetics
Classification: Likely pathogenic for Fanconi anemia complementation group E. Last evaluated: 2023-04-19. Review status: criteria provided, single submitter. Criteria: ACMG Guidelines, 2015. Collection method: clinical testing. Allele origin: unknown.

Literature cited by the submitters: PubMed 11001585 (cited by Labcorp Genetics (formerly Invitae), Labcorp); PubMed 17924555 (cited by Labcorp Genetics (formerly Invitae), Labcorp); PubMed 27913932 (cited by Labcorp Genetics (formerly Invitae), Labcorp).

NM_021922.3(FANCE):c.1239dup (p.Pro414fs)

Gene: FANCE (FA complementation group E; plus strand). Cytogenetic location: 6p21.31.
Variant type: Duplication.
Coding change: c.1239dup on transcript NM_021922.3 (MANE Select); coding-DNA position 1239, one base duplicated (T; older notation c.1239dupT).
Protein change: p.Pro414fs; shifts the reading frame from proline 414.
Molecular consequence: frameshift variant.
Genome position (GRCh38, 1-based): chr6:35,459,683, T duplicated. VCF-style (leftmost placement, unchanged base first): chr6-35459682-G-GT. GRCh37 (hg19) VCF-style: chr6-35427459-G-GT.
Other names: short protein forms P414fs.
Identifiers: ClinVar variation 1459995 (VCV001459995.8), dbSNP rs1561792535, ClinGen allele CA566492491.